The following is an entry in ClinVar:

NM_005431.2(XRCC2):c.367A>T (p.Ser123Cys)

Gene: XRCC2 (X-ray repair cross complementing 2; minus strand). Cytogenetic location: 7q36.1.
Variant type: single nucleotide variant.
Coding change: c.367A>T on transcript NM_005431.2 (MANE Select); coding-DNA position 367, A replaced by T.
Protein change: p.Ser123Cys; replaces serine 123 with cysteine.
Molecular consequence: missense variant.
Genome position (GRCh38, 1-based): chr7:152,649,118, T>A on the plus strand (A>T on the coding strand, the complement: XRCC2 is on the minus strand). VCF-style: chr7-152649118-T-A. GRCh37 (hg19) VCF-style: chr7-152346203-T-A.
Other names: short protein forms S123C.
Identifiers: ClinVar variation 2625106 (VCV002625106.2), dbSNP rs1064793296, ClinGen allele CA370198851.

ClinVar aggregate classification (germline): Uncertain significance (1 of 4 stars; one submission).

Conditions:
Hereditary cancer-predisposing syndrome. Also called: Tumor predisposition; Hereditary Cancer Syndrome; Hereditary neoplastic syndrome; Neoplastic Syndromes, Hereditary. Identifiers: Orphanet 140162, MedGen C0027672, MeSH D009386, MONDO:0015356.

Submission:

Ambry Genetics
Classification: Uncertain significance for Hereditary cancer-predisposing syndrome. Last evaluated: 2023-08-26. Review status: criteria provided, single submitter. Criteria: Ambry Variant Classification Scheme 2023. Collection method: clinical testing. Allele origin: germline.
Comment: The p.S123C variant (also known as c.367A>T), located in coding exon 3 of the XRCC2 gene, results from an A to T substitution at nucleotide position 367. The serine at codon 123 is replaced by cysteine, an amino acid with dissimilar properties. This amino acid position is conserved. In addition, the in silico prediction for this alteration is inconclusive. Since supporting evidence is limited at this time, the clinical significance of this alteration remains unclear.